The following is an entry in ClinVar:

ClinVar aggregate classification (germline): Uncertain significance (1 of 4 stars; one submission).

Conditions:
Hereditary breast ovarian cancer syndrome. Also called: Hereditary breast and ovarian cancer; Hereditary breast and ovarian cancer syndrome; Breast and ovarian cancer; BRCA1- and BRCA2-Associated Hereditary Breast and Ovarian Cancer; Hereditary breast and ovarian cancer syndrome (HBOC); Hereditary breast and/or ovarian cancer syndrome. Identifiers: Orphanet 145, MedGen C0677776, MeSH D061325, MONDO:0003582. Disease mechanism: loss of function.

Submission:

Labcorp Genetics (formerly Invitae), Labcorp
Classification: Uncertain significance for Hereditary breast ovarian cancer syndrome. Last evaluated: 2023-08-28. Review status: criteria provided, single submitter. Criteria: Invitae Variant Classification Sherloc (09022015). Collection method: clinical testing. Allele origin: germline.
Comment: Advanced modeling of protein sequence and biophysical properties (such as structural, functional, and spatial information, amino acid conservation, physicochemical variation, residue mobility, and thermodynamic stability) performed at Invitae indicates that this missense variant is not expected to disrupt BRCA2 protein function. In summary, the available evidence is currently insufficient to determine the role of this variant in disease. Therefore, it has been classified as a Variant of Uncertain Significance. This variant has not been reported in the literature in individuals affected with BRCA2-related conditions. This variant is not present in population databases (gnomAD no frequency). This sequence change replaces valine, which is neutral and non-polar, with alanine, which is neutral and non-polar, at codon 1495 of the BRCA2 protein (p.Val1495Ala).

NM_000059.4(BRCA2):c.4484T>C (p.Val1495Ala)

Gene: BRCA2 (BRCA2 DNA repair associated; plus strand). Cytogenetic location: 13q13.1.
Variant type: single nucleotide variant.
Coding change: c.4484T>C on transcript NM_000059.4 (MANE Select); coding-DNA position 4484, T replaced by C.
Protein change: p.Val1495Ala; replaces valine 1495 with alanine.
Molecular consequence: missense variant. On other transcripts: non-coding transcript variant (1), intron variant (2).
Genome position (GRCh38, 1-based): chr13:32,338,839, T>C. VCF-style: chr13-32338839-T-C. GRCh37 (hg19) VCF-style: chr13-32912976-T-C.
Other names: c.4484T>C, p.Val1495Ala (NM_001406719.1, NM_001406720.1); c.1909+5452T>C (NM_001406721.1); c.425-5719T>C (NM_001406722.1); short protein forms V1495A.
Identifiers: ClinVar variation 2755840 (VCV002755840.3), dbSNP rs776538666, ClinGen allele CA387781517.
Genomic context (GRCh38, chr13:32,338,839, plus strand): 5'-TGGACATTCTAAGTTATGAGGAAACAGACATAGTTAAACACAAAATACTGAAAGAAAGTG[T>C]CCCAGTTGGTACTGGAAATCAACTAGTGACCTTCCAGGGACAACCCGAACGTGATGAAAA-3'
Protein context (NP_000050.3, residues 1485-1505): IVKHKILKES[Val1495Ala]PVGTGNQLVT